The following is an entry in ClinVar:

NM_005228.5(EGFR):c.1438C>G (p.Leu480Val)

Gene: EGFR (epidermal growth factor receptor; plus strand). Cytogenetic location: 7p11.2.
Variant type: single nucleotide variant.
Coding change: c.1438C>G on transcript NM_005228.5 (MANE Select); coding-DNA position 1438, C replaced by G.
Protein change: p.Leu480Val; replaces leucine 480 with valine.
Molecular consequence: missense variant.
Genome position (GRCh38, 1-based): chr7:55,160,278, C>G. VCF-style: chr7-55160278-C-G. GRCh37 (hg19) VCF-style: chr7-55227971-C-G.
Other names: c.1303C>G, p.Leu435Val (NM_001346897.2, NM_001346899.2); c.1438C>G, p.Leu480Val (NM_001346898.2, NM_201282.2, NM_201284.2); c.1279C>G, p.Leu427Val (NM_001346900.2); c.637C>G, p.Leu213Val (NM_001346941.2); short protein forms L427V, L480V, L213V, L435V.
Identifiers: ClinVar variation 939171 (VCV000939171.10), dbSNP rs147732025, ClinGen allele CA158917202.

ClinVar aggregate classification (germline): Uncertain significance. Review status: criteria provided, multiple submitters, no conflicts (2 of 4 stars). 2 submissions from 2 submitters: Uncertain significance (2). Last evaluated 2025-04-13.

Conditions:
Hereditary cancer-predisposing syndrome. Also called: Hereditary neoplastic syndrome; Neoplastic Syndromes, Hereditary; Tumor predisposition; Hereditary Cancer Syndrome. Identifiers: Orphanet 140162, MedGen C0027672, MeSH D009386, MONDO:0015356.
EGFR-related lung cancer (EGFR). Identifiers: MedGen CN130014.

Allele frequency attached by ClinVar (database versions not stated): TOPMed 0.00005.
gnomAD v4.1: 8 of 1,613,890 alleles (0.0005%); highest among the groups gnomAD compares: African/African-American, 0.011%; no homozygotes.

Submissions (2):

Labcorp Genetics (formerly Invitae), Labcorp
Classification: Uncertain significance for EGFR-related lung cancer. Last evaluated: 2025-04-13. Review status: criteria provided, single submitter. Criteria: Invitae Variant Classification Sherloc (09022015). Collection method: clinical testing. Allele origin: germline.
Comment: This sequence change replaces leucine, which is neutral and non-polar, with valine, which is neutral and non-polar, at codon 480 of the EGFR protein (p.Leu480Val). This variant is present in population databases (no rsID available, gnomAD 0.008%). This variant has not been reported in the literature in individuals affected with EGFR-related conditions. ClinVar contains an entry for this variant (Variation ID: 939171). Invitae Evidence Modeling of protein sequence and biophysical properties (such as structural, functional, and spatial information, amino acid conservation, physicochemical variation, residue mobility, and thermodynamic stability) indicates that this missense variant is not expected to disrupt EGFR protein function with a negative predictive value of 80%. In summary, the available evidence is currently insufficient to determine the role of this variant in disease. Therefore, it has been classified as a Variant of Uncertain Significance.

Ambry Genetics
Classification: Uncertain significance for Hereditary cancer-predisposing syndrome. Last evaluated: 2025-01-20. Review status: criteria provided, single submitter. Criteria: Ambry Variant Classification Scheme 2023. Collection method: clinical testing. Allele origin: germline.
Comment: The p.L480V variant (also known as c.1438C>G), located in coding exon 12 of the EGFR gene, results from a C to G substitution at nucleotide position 1438. The leucine at codon 480 is replaced by valine, an amino acid with highly similar properties. This amino acid position is well conserved in available vertebrate species. In addition, this alteration is predicted to be tolerated by in silico analysis. Based on the available evidence, the clinical significance of this variant remains unclear.